The following is an entry in ClinVar:

ClinVar aggregate classification (germline): Benign. Review status: criteria provided, single submitter (1 of 4 stars). 2 submissions from 2 submitters: Benign (1). 1 of the submissions does not count toward it. Last evaluated 2021-05-23.

Conditions:
TAF6-related disorder. Also called: TAF6-related condition.

Submissions (2):

GeneDx
Classification: Benign. Last evaluated: 2021-05-23. Review status: criteria provided, single submitter. Criteria: GeneDx Variant Classification Process June 2021. Collection method: clinical testing. Allele origin: germline. Affected: yes.

PreventionGenetics, part of Exact Sciences
Classification: Benign for TAF6-related condition. Last evaluated: 2019-08-09. Review status: no assertion criteria provided. Collection method: clinical testing. Allele origin: germline. Not counted in ClinVar's aggregate classification.
Comment: This variant is classified as benign based on ACMG/AMP sequence variant interpretation guidelines (Richards et al. 2015 PMID: 25741868, with internal and published modifications).

NM_139315.3(TAF6):c.-37del

Gene: TAF6 (TATA-box binding protein associated factor 6; minus strand). Cytogenetic location: 7q22.1.
Variant type: Deletion.
Coding change: c.-37del on transcript NM_139315.3 (MANE Select); 37 bases upstream of the start codon, one base deleted (G; older notation c.-37delG).
Molecular consequence: 5 prime UTR variant. On other transcripts: frameshift variant (2), non-coding transcript variant (1).
Genome position (GRCh38, 1-based): chr7:100,114,246, C deleted on the plus strand (G on the coding strand, the reverse complement: TAF6 is on the minus strand); the first of 5 consecutive C bases (chr7:100,114,246-100,114,250); deleting any one gives the same sequence. VCF-style (leftmost placement, unchanged base first): chr7-100114245-GC-G. GRCh37 (hg19) VCF-style: chr7-99711868-GC-G.
Other names: c.75del, p.Leu26fs (NM_001190415.2); c.-37del (NM_001364998.1, NM_001364999.1, NM_001365000.1 and 4 more transcripts); c.102del, p.Leu35fs (NM_001365004.1); c.102delG (NM_001365004.1); short protein forms L26fs, L35fs.
Identifiers: ClinVar variation 1260087 (VCV001260087.4), dbSNP rs60187078, ClinGen allele CA4375821.